The following is an entry in ClinVar:

ClinVar aggregate classification (germline): Uncertain significance. Review status: criteria provided, multiple submitters, no conflicts (2 of 4 stars). 2 submissions from 2 submitters: Uncertain significance (2). Last evaluated 2025-03-30.

Conditions:
Primary ciliary dyskinesia. Also called: Ciliary dyskinesia. Identifiers: Orphanet 244, MedGen C0008780, MONDO:0016575, HP:0012265.
Primary ciliary dyskinesia 15. Also called: CILIARY DYSKINESIA, PRIMARY, 15, WITH OR WITHOUT SITUS INVERSUS. Identifiers: Orphanet 244, MedGen C3151137, MONDO:0013435, OMIM 613808.

Allele frequency attached by ClinVar (database versions not stated): ExAC 0.00002; gnomAD exomes 0.00002; gnomAD 0.00003 and 0.00004; TOPMed 0.00003.
gnomAD v4.1: 53 of 1,614,102 alleles (0.0033%); highest among the groups gnomAD compares: Non-Finnish European, 0.0042%; no homozygotes.

Submissions (2):

Labcorp Genetics (formerly Invitae), Labcorp
Classification: Uncertain significance for Primary ciliary dyskinesia. Last evaluated: 2025-03-30. Review status: criteria provided, single submitter. Criteria: Invitae Variant Classification Sherloc (09022015). Collection method: clinical testing. Allele origin: germline.
Comment: This sequence change replaces tyrosine, which is neutral and polar, with cysteine, which is neutral and slightly polar, at codon 97 of the CCDC40 protein (p.Tyr97Cys). This variant is present in population databases (rs761769193, gnomAD 0.004%). This variant has not been reported in the literature in individuals affected with CCDC40-related conditions. ClinVar contains an entry for this variant (Variation ID: 888590). An algorithm developed to predict the effect of missense changes on protein structure and function (PolyPhen-2) suggests that this variant is likely to be tolerated. In summary, the available evidence is currently insufficient to determine the role of this variant in disease. Therefore, it has been classified as a Variant of Uncertain Significance.

Illumina Laboratory Services, Illumina
Classification: Uncertain significance for Primary ciliary dyskinesia 15. Last evaluated: 2018-01-12. Review status: criteria provided, single submitter. Criteria: ICSL Variant Classification Criteria 13 December 2019. Collection method: clinical testing. Allele origin: germline.

NM_017950.4(CCDC40):c.290A>G (p.Tyr97Cys)

Gene: CCDC40 (coiled-coil domain 40 molecular ruler complex subunit; plus strand). Cytogenetic location: 17q25.3.
Variant type: single nucleotide variant.
Coding change: c.290A>G on transcript NM_017950.4 (MANE Select); coding-DNA position 290, A replaced by G.
Protein change: p.Tyr97Cys; replaces tyrosine 97 with cysteine.
Molecular consequence: missense variant.
Genome position (GRCh38, 1-based): chr17:80,040,008, A>G. VCF-style: chr17-80040008-A-G. GRCh37 (hg19) VCF-style: chr17-78013807-A-G.
Other names: c.290A>G, p.Tyr97Cys (NM_001243342.2, NM_001330508.2); short protein forms Y97C.
Identifiers: ClinVar variation 888590 (VCV000888590.9), dbSNP rs761769193, ClinGen allele CA8813411.